The following is an entry in ClinVar:

ClinVar aggregate classification (germline): Benign/Likely benign. Review status: criteria provided, multiple submitters, no conflicts (2 of 4 stars). 2 submissions from 2 submitters: Benign (1); Likely benign (1). Last evaluated 2026-01-04.

Conditions:
Juvenile polyposis/hereditary hemorrhagic telangiectasia syndrome (JPHT). Also called: JP/HHT SYNDROME; JUVENILE POLYPOSIS WITH HEREDITARY HEMORRHAGIC TELANGIECTASIA; POLYPOSIS, GENERALIZED JUVENILE, WITH PULMONARY ARTERIOVENOUS MALFORMATION; TELANGIECTASIA, HEREDITARY HEMORRHAGIC, WITH JUVENILE POLYPOSIS COLI; Juvenile Polyposis Syndrome / Hereditary Hemorrhagic Telangiectasia (JPS/HHT). Identifiers: Orphanet 2929, MedGen C1832942, MONDO:0008278, OMIM 175050.
Juvenile polyposis syndrome (JPS). Identifiers: Orphanet 2929, MedGen C0345893, MONDO:0017380, OMIM 174900.

Submissions (2):

Labcorp Genetics (formerly Invitae), Labcorp
Classification: Benign for Juvenile polyposis syndrome. Last evaluated: 2026-01-04. Review status: criteria provided, single submitter. Criteria: Invitae Variant Classification Sherloc (09022015). Collection method: clinical testing. Allele origin: germline.

Myriad Genetics, Inc.
Classification: Likely benign for Juvenile polyposis/hereditary hemorrhagic telangiectasia syndrome. Last evaluated: 2025-03-21. Review status: criteria provided, single submitter. Criteria: Myriad Autosomal Dominant, Autosomal Recessive and X-Linked Classification Criteria (2023). Collection method: clinical testing. Allele origin: unknown.
Comment: This variant is considered likely benign. This variant is intronic and is not expected to impact mRNA splicing.

NM_005359.6(SMAD4):c.1309-9dup

Gene: SMAD4 (SMAD family member 4; plus strand). Cytogenetic location: 18q21.2.
Variant type: Duplication.
Coding change: c.1309-9dup on transcript NM_005359.6 (MANE Select); 9 bases into the intron before coding-DNA position 1309, one base duplicated (T; older notation c.1309-9dupT).
Molecular consequence: intron variant.
Genome position (GRCh38, 1-based): chr18:51,076,629, T duplicated; the last of 6 consecutive T bases (chr18:51,076,624-51,076,629); duplicating any one gives the same sequence. VCF-style (leftmost placement, unchanged base first): chr18-51076623-G-GT. GRCh37 (hg19) VCF-style: chr18-48602993-G-GT.
Other names: c.1309-9dup (NM_001407042.1, NM_001407041.1).
Identifiers: ClinVar variation 3693828 (VCV003693828.3).
Genomic context (GRCh38, chr18:51,076,623, plus strand): 5'-TAAGTCAGGCATTGGTTTTTAATGTATGGAATTTTTCTTTATGAACTCATAGTATGAAAT[G>GT]TTTTTTCTTAAAAGGTCTTTGATTTGCGTCAGTGTCATCGACAGATGCAGCAGCAGGCGG-3'